The following is an entry in ClinVar:

NM_006206.6(PDGFRA):c.*9T>C

Gene: PDGFRA (platelet derived growth factor receptor alpha; plus strand). Cytogenetic location: 4q12.
Variant type: single nucleotide variant.
Coding change: c.*9T>C on transcript NM_006206.6 (MANE Select); 9 bases downstream of the stop codon, T replaced by C.
Molecular consequence: 3 prime UTR variant.
Genome position (GRCh38, 1-based): chr4:54,295,281, T>C. VCF-style: chr4-54295281-T-C. GRCh37 (hg19) VCF-style: chr4-55161448-T-C.
Other names: c.*9T>C (NM_001347828.2, NM_001347829.2, NM_001347830.2).
Identifiers: ClinVar variation 4876068 (VCV004876068.1).

ClinVar aggregate classification (germline): Benign (1 of 4 stars; one submission).

Conditions:
Polyps, multiple and recurrent inflammatory fibroid, gastrointestinal. Identifiers: MedGen C5193005, MONDO:0008285, OMIM 175510.

gnomAD v4.1: 2 of 1,613,972 alleles (0.00012%); highest among the groups gnomAD compares: East Asian, 0.0022%; no homozygotes.

Submission:

Myriad Genetics, Inc.
Classification: Benign for Polyps, multiple and recurrent inflammatory fibroid, gastrointestinal. Last evaluated: 2026-06-18. Review status: criteria provided, single submitter. Criteria: Myriad Autosomal Dominant, Autosomal Recessive and X-Linked Classification Criteria (2023). Collection method: clinical testing. Allele origin: unknown.
Comment: This variant is considered benign. This variant occurs in the non-coding 3' untranslated region of the gene, and is not expected to impact protein function.